The following is an entry in ClinVar:

ClinVar aggregate classification (germline): Uncertain significance (1 of 4 stars; one submission).

Conditions:
Familial adenomatous polyposis 1 (FAP1). Also called: FAMILIAL ADENOMATOUS POLYPOSIS 1, ATTENUATED; POLYPOSIS, ADENOMATOUS INTESTINAL. Identifiers: MedGen C2713442, MONDO:0021056, OMIM 175100. Disease mechanism: loss of function.

Submission:

Labcorp Genetics (formerly Invitae), Labcorp
Classification: Uncertain significance for Familial adenomatous polyposis 1. Last evaluated: 2021-06-15. Review status: criteria provided, single submitter. Criteria: Invitae Variant Classification Sherloc (09022015). Collection method: clinical testing. Allele origin: germline.
Comment: In summary, the available evidence is currently insufficient to determine the role of this variant in disease. Therefore, it has been classified as a Variant of Uncertain Significance. Algorithms developed to predict the effect of missense changes on protein structure and function are either unavailable or do not agree on the potential impact of this missense change (SIFT: "Deleterious"; PolyPhen-2: "Benign"; Align-GVGD: "Class C0"). This variant has not been reported in the literature in individuals with APC-related conditions. This variant is not present in population databases (ExAC no frequency). This sequence change replaces asparagine with aspartic acid at codon 164 of the APC protein (p.Asn164Asp). The asparagine residue is highly conserved and there is a small physicochemical difference between asparagine and aspartic acid.

NM_000038.6(APC):c.490A>G (p.Asn164Asp)

Gene: APC (APC regulator of Wnt signaling pathway; plus strand). Cytogenetic location: 5q22.2.
Variant type: single nucleotide variant.
Coding change: c.490A>G on transcript NM_000038.6 (MANE Select); coding-DNA position 490, A replaced by G.
Protein change: p.Asn164Asp; replaces asparagine 164 with aspartic acid.
Molecular consequence: missense variant. On other transcripts: 5 prime UTR variant (1).
Genome position (GRCh38, 1-based): chr5:112,775,696, A>G. VCF-style: chr5-112775696-A-G. GRCh37 (hg19) VCF-style: chr5-112111393-A-G.
Other names: c.490A>G, p.Asn164Asp (NM_001127510.3, NM_001354895.2, NM_001354896.2 and 2 more transcripts); c.520A>G, p.Asn174Asp (NM_001127511.3, NM_001354897.2, NM_001354902.2); c.415A>G, p.Asn139Asp (NM_001354898.2, NM_001354904.2); c.313A>G, p.Asn105Asp (NM_001354900.2, NM_001354901.2, NM_001354905.2); c.-546A>G (NM_001354906.2); short protein forms N164D, N174D, N105D, N139D.
Identifiers: ClinVar variation 1401038 (VCV001401038.8), dbSNP rs2149615545, ClinGen allele CA16022394.